The following is an entry in ClinVar:

NM_004183.4(BEST1):c.1645G>A (p.Glu549Lys)

Gene: BEST1 (bestrophin 1; plus strand). Cytogenetic location: 11q12.3.
Variant type: single nucleotide variant.
Coding change: c.1645G>A on transcript NM_004183.4 (MANE Select); coding-DNA position 1645, G replaced by A.
Protein change: p.Glu549Lys; replaces glutamic acid 549 with lysine.
Molecular consequence: missense variant. On other transcripts: non-coding transcript variant (1).
Genome position (GRCh38, 1-based): chr11:61,962,799, G>A. VCF-style: chr11-61962799-G-A. GRCh37 (hg19) VCF-style: chr11-61730271-G-A.
Other names: c.1465G>A, p.Glu489Lys (NM_001139443.3, NM_001300787.2); c.1384G>A, p.Glu462Lys (NM_001300786.2); c.1327G>A, p.Glu443Lys (NM_001363591.3); c.*540G>A (NM_001363592.2); c.673G>A, p.Glu225Lys (NM_001363593.3); short protein forms E462K, E443K, E549K, E489K, E225K.
Identifiers: ClinVar variation 2137123 (VCV002137123.5), dbSNP rs143671863, ClinGen allele CA6041097.

ClinVar aggregate classification (germline): Uncertain significance. Review status: criteria provided, multiple submitters, no conflicts (2 of 4 stars). 2 submissions from 2 submitters: Uncertain significance (2). Last evaluated 2025-02-17.

Conditions:
BEST1-related dominant retinopathy. Identifiers: MedGen CN375913, MONDO:0700238.

Allele frequency attached by ClinVar (database versions not stated): ExAC 0.00002; gnomAD exomes 0.00002; gnomAD 0.00003; TOPMed 0.00003.
gnomAD v4.1: 28 of 1,614,040 alleles (0.0017%); highest among the groups gnomAD compares: Middle Eastern, 0.016%; no homozygotes.

Submissions (2):

Labcorp Genetics (formerly Invitae), Labcorp
Classification: Uncertain significance. Last evaluated: 2025-02-17. Review status: criteria provided, single submitter. Criteria: Invitae Variant Classification Sherloc (09022015). Collection method: clinical testing. Allele origin: germline.
Comment: This sequence change replaces glutamic acid, which is acidic and polar, with lysine, which is basic and polar, at codon 549 of the BEST1 protein (p.Glu549Lys). This variant is present in population databases (rs143671863, gnomAD 0.01%). This missense change has been observed in individual(s) with BEST1-related conditions (PMID: 26633542). ClinVar contains an entry for this variant (Variation ID: 2137123). An algorithm developed to predict the effect of missense changes on protein structure and function outputs the following: PolyPhen-2: "Benign". The lysine amino acid residue is found in multiple mammalian species, which suggests that this missense change does not adversely affect protein function. In summary, the available evidence is currently insufficient to determine the role of this variant in disease. Therefore, it has been classified as a Variant of Uncertain Significance.

Department of Pathology and Laboratory Medicine, Sinai Health System
Classification: Uncertain significance for BEST1-related dominant retinopathy. Last evaluated: 2022-04-08. Review status: criteria provided, single submitter. Criteria: ACMG Guidelines, 2015. Collection method: research. Allele origin: germline.

Literature cited by the submitters: PubMed 26633542 (cited by Labcorp Genetics (formerly Invitae), Labcorp).